The following is an entry in ClinVar:

NM_182961.4(SYNE1):c.7685T>C (p.Met2562Thr)

Gene: SYNE1 (spectrin repeat containing nuclear envelope protein 1; minus strand). Cytogenetic location: 6q25.2.
Variant type: single nucleotide variant.
Coding change: c.7685T>C on transcript NM_182961.4 (MANE Select); coding-DNA position 7685, T replaced by C.
Protein change: p.Met2562Thr; replaces methionine 2562 with threonine.
Molecular consequence: missense variant.
Genome position (GRCh38, 1-based): chr6:152,395,543, A>G on the plus strand (T>C on the coding strand, the complement: SYNE1 is on the minus strand). VCF-style: chr6-152395543-A-G. GRCh37 (hg19) VCF-style: chr6-152716678-A-G.
Other names: c.7706T>C, p.Met2569Thr (NM_033071.5); short protein forms M2569T, M2562T.
Identifiers: ClinVar variation 1938812 (VCV001938812.3), dbSNP rs964328108, ClinGen allele CA150193906.

ClinVar aggregate classification (germline): Uncertain significance. Review status: criteria provided, single submitter (1 of 4 stars). 2 submissions from 2 submitters: Uncertain significance (1). 1 of the submissions does not count toward it. Last evaluated 2022-04-07.

Conditions:
Emery-Dreifuss muscular dystrophy 4, autosomal dominant (EDMD4). Also called: EMERY-DREIFUSS MUSCULAR DYSTROPHY 4 WITH VARIABLE FEATURES. Identifiers: Orphanet 261, MedGen C2751807, MONDO:0013071, OMIM 612998.
Autosomal recessive ataxia, Beauce type. Also called: SYNE1 Deficiency; Spinocerebellar ataxia, autosomal recessive 8; ATAXIA, RECESSIVE, OF BEAUCE; SYNE1-Related Autosomal Recessive Cerebellar Ataxia. Identifiers: Orphanet 88644, MedGen C1853116, MONDO:0012549, OMIM 610743.
SYNE1-related disorder. Also called: SYNE1-related disorders; SYNE1-related disease; SYNE1-related condition.

Allele frequency attached by ClinVar (database versions not stated): gnomAD 0.00001; TOPMed 0.00005.
gnomAD v4.1: 8 of 1,613,916 alleles (0.0005%); highest among the groups gnomAD compares: Admixed American, 0.01%; no homozygotes.

Submissions (2):

Labcorp Genetics (formerly Invitae), Labcorp
Classification: Uncertain significance for Emery-Dreifuss muscular dystrophy 4, autosomal dominant; Autosomal recessive ataxia, Beauce type. Last evaluated: 2022-04-07. Review status: criteria provided, single submitter. Criteria: Invitae Variant Classification Sherloc (09022015). Collection method: clinical testing. Allele origin: germline.
Comment: This sequence change replaces methionine, which is neutral and non-polar, with threonine, which is neutral and polar, at codon 2569 of the SYNE1 protein (p.Met2569Thr). This variant is present in population databases (no rsID available, gnomAD 0.1%). This variant has not been reported in the literature in individuals affected with SYNE1-related conditions. Algorithms developed to predict the effect of missense changes on protein structure and function are either unavailable or do not agree on the potential impact of this missense change (SIFT: "Deleterious"; PolyPhen-2: "Benign"; Align-GVGD: "Class C0"). In summary, the available evidence is currently insufficient to determine the role of this variant in disease. Therefore, it has been classified as a Variant of Uncertain Significance.

PreventionGenetics, part of Exact Sciences
Classification: Uncertain significance for SYNE1-related condition. Last evaluated: 2024-05-29. Review status: no assertion criteria provided. Collection method: clinical testing. Allele origin: germline. Not counted in ClinVar's aggregate classification.
Comment: The SYNE1 c.7706T>C variant is predicted to result in the amino acid substitution p.Met2569Thr. To our knowledge, this variant has not been reported in the literature. This variant is reported in 0.12% of alleles (1/848 alleles) in individuals of Latino descent in version 2 of gnomAD; however, the total number of alleles is low and may not be an accurate representation of allele frequency. This variant is reported in 0.01% alleles (6/59,976 alleles) in individuals of Latino descent in version 4 of gnomAD. At this time, the clinical significance of this variant is uncertain due to the absence of conclusive functional and genetic evidence.